The following is an entry in ClinVar:

NM_206965.2(FTCD):c.149C>T (p.Thr50Ile)

Gene: FTCD (formimidoyltransferase cyclodeaminase; minus strand). Cytogenetic location: 21q22.3.
Variant type: single nucleotide variant.
Coding change: c.149C>T on transcript NM_206965.2 (MANE Select); coding-DNA position 149, C replaced by T.
Protein change: p.Thr50Ile; replaces threonine 50 with isoleucine.
Molecular consequence: missense variant.
Genome position (GRCh38, 1-based): chr21:46,154,238, G>A on the plus strand (C>T on the coding strand, the complement: FTCD is on the minus strand). VCF-style: chr21-46154238-G-A. GRCh37 (hg19) VCF-style: chr21-47574152-G-A.
Other names: c.149C>T, p.Thr50Ile (NM_001320412.2, NM_006657.3); short protein forms T50I.
Identifiers: ClinVar variation 1407255 (VCV001407255.8), dbSNP rs199769706, ClinGen allele CA10074045.

ClinVar aggregate classification (germline): Uncertain significance. Review status: criteria provided, multiple submitters, no conflicts (2 of 4 stars). 4 submissions from 4 submitters: Uncertain significance (4). Last evaluated 2024-06-28.

Conditions:
Glutamate formiminotransferase deficiency. Also called: Formiminoglutamic aciduria; Arakawa syndrome 1. Identifiers: Orphanet 51208, MedGen C0268609, MONDO:0009240, OMIM 229100.
Inborn genetic diseases. Identifiers: MedGen C0950123, MeSH D030342.

Allele frequency attached by ClinVar (database versions not stated): gnomAD exomes 0.00003 and 0.00010; ESP Exome Variant Server 0.00008; ExAC 0.00009; 1000 Genomes Project 30x 0.00016; 1000 Genomes Project 0.00020; gnomAD 0.00023 and 0.00024; TOPMed 0.00039.

Submissions (4):

Ambry Genetics
Classification: Uncertain significance for Inborn genetic diseases. Last evaluated: 2024-06-28. Review status: criteria provided, single submitter. Criteria: Ambry Variant Classification Scheme 2023. Collection method: clinical testing. Allele origin: germline.

GeneDx
Classification: Uncertain significance. Last evaluated: 2022-03-10. Review status: criteria provided, single submitter. Criteria: GeneDx Variant Classification Process June 2021. Collection method: clinical testing. Allele origin: germline. Affected: yes.
Comment: In silico analysis supports that this missense variant has a deleterious effect on protein structure/function; Has not been previously published as pathogenic or benign to our knowledge

Labcorp Genetics (formerly Invitae), Labcorp
Classification: Uncertain significance for Glutamate formiminotransferase deficiency. Last evaluated: 2021-08-20. Review status: criteria provided, single submitter. Criteria: Invitae Variant Classification Sherloc (09022015). Collection method: clinical testing. Allele origin: germline.
Comment: This sequence change replaces threonine with isoleucine at codon 50 of the FTCD protein (p.Thr50Ile). The threonine residue is highly conserved and there is a moderate physicochemical difference between threonine and isoleucine. This variant is present in population databases (rs199769706, ExAC 0.1%). This variant has not been reported in the literature in individuals affected with FTCD-related conditions. Algorithms developed to predict the effect of missense changes on protein structure and function are either unavailable or do not agree on the potential impact of this missense change (SIFT: "Deleterious"; PolyPhen-2: "Probably Damaging"; Align-GVGD: "Class C0"). In summary, the available evidence is currently insufficient to determine the role of this variant in disease. Therefore, it has been classified as a Variant of Uncertain Significance.

Breakthrough Genomics
Classification: Uncertain significance. Review status: criteria provided, single submitter. Criteria: ACMG Guidelines, 2015. Collection method: not provided. Allele origin: germline. Inheritance: Autosomal dominant inheritance. Affected: yes.